The following is an entry in ClinVar:

ClinVar aggregate classification (germline): Uncertain significance (1 of 4 stars; one submission).

Allele frequency attached by ClinVar (database versions not stated): gnomAD exomes below 0.00001.
gnomAD v4.1: 2 of 1,613,034 alleles (0.00012%); highest among the groups gnomAD compares: Non-Finnish European, 0.00017%; no homozygotes.

Submission:

Labcorp Genetics (formerly Invitae), Labcorp
Classification: Uncertain significance. Last evaluated: 2022-03-11. Review status: criteria provided, single submitter. Criteria: Invitae Variant Classification Sherloc (09022015). Collection method: clinical testing. Allele origin: germline.
Comment: This variant is not present in population databases (gnomAD no frequency). In summary, the available evidence is currently insufficient to determine the role of this variant in disease. Therefore, it has been classified as a Variant of Uncertain Significance. Algorithms developed to predict the effect of missense changes on protein structure and function are either unavailable or do not agree on the potential impact of this missense change (SIFT: "Deleterious"; PolyPhen-2: "Probably Damaging"; Align-GVGD: "Class C0"). This variant has not been reported in the literature in individuals affected with FREM1-related conditions. This sequence change replaces serine, which is neutral and polar, with cysteine, which is neutral and slightly polar, at codon 2095 of the FREM1 protein (p.Ser2095Cys).

NM_001379081.2(FREM1):c.6284C>G (p.Ser2095Cys)

Gene: FREM1 (FRAS1 related extracellular matrix 1; minus strand). Cytogenetic location: 9p22.3.
Variant type: single nucleotide variant.
Coding change: c.6284C>G on transcript NM_001379081.2 (MANE Select); coding-DNA position 6284, C replaced by G.
Protein change: p.Ser2095Cys; replaces serine 2095 with cysteine.
Molecular consequence: missense variant. On other transcripts: synonymous variant (1), non-coding transcript variant (3).
Genome position (GRCh38, 1-based): chr9:14,740,205, G>C on the plus strand (C>G on the coding strand, the complement: FREM1 is on the minus strand). VCF-style: chr9-14740205-G-C. GRCh37 (hg19) VCF-style: chr9-14740203-G-C.
Other names: c.1892C>G, p.Ser631Cys (NM_001177704.3, NM_001370061.2); c.1626C>G, p.Leu542= (NM_001370058.2); c.6284C>G, p.Ser2095Cys (NM_144966.7); short protein forms S2095C, S631C.
Identifiers: ClinVar variation 1947701 (VCV001947701.5), dbSNP rs2539007493, ClinGen allele CA372952510.